The following is an entry in ClinVar:

NM_015335.5(MED13L):c.5589-29TTCCCC[3]

Gene: MED13L (mediator complex subunit 13L; minus strand). Cytogenetic location: 12q24.21.
Variant type: Microsatellite.
Coding change: c.5589-29TTCCCC[3] on transcript NM_015335.5 (MANE Select); three copies in a row of the 6-base unit TTCCCC starting at c.5589-29; the reference has two copies in a row; one copy, 6 bases duplicated.
Molecular consequence: intron variant.
Genome position (GRCh38, 1-based): chr12:115,975,331-115,975,336, GGGGAA duplicated on the plus strand (TTCCCC on the coding strand, the reverse complement: MED13L is on the minus strand); duplicating any 6 consecutive bases within chr12:115,975,331-115,975,346 gives the same sequence; the position shown is the placement nearest the transcript's 3' end. VCF-style (leftmost placement, unchanged base first): chr12-115975330-T-TGGGGAA. GRCh37 (hg19) VCF-style: chr12-116413135-T-TGGGGAA.
Identifiers: ClinVar variation 2733002 (VCV002733002.4), dbSNP rs950387382, ClinGen allele CA607650514.

ClinVar aggregate classification (germline): Likely benign. Review status: criteria provided, multiple submitters, no conflicts (2 of 4 stars). 2 submissions from 2 submitters: Likely benign (2). Last evaluated 2026-08-01.

Conditions:
Dextro-looped transposition of the great arteries. Also called: Dextrotransposition of the great arteries. Identifiers: Orphanet 860, MedGen C3531771, MONDO:0019443, OMIM 608808, HP:0031348.

Submissions (2):

CeGaT Center for Human Genetics Tuebingen
Classification: Likely benign. Last evaluated: 2026-08-01. Review status: criteria provided, single submitter. Criteria: CeGaT Center For Human Genetics Tuebingen Variant Classification Criteria Version 2. Collection method: clinical testing. Allele origin: germline. Affected: yes. Observed: 1 variant allele.
Comment: MED13L: PM4, BS2

Labcorp Genetics (formerly Invitae), Labcorp
Classification: Likely benign for Dextro-looped transposition of the great arteries. Last evaluated: 2025-07-29. Review status: criteria provided, single submitter. Criteria: Invitae Variant Classification Sherloc (09022015). Collection method: clinical testing. Allele origin: germline.